The following is an entry in ClinVar:

ClinVar aggregate classification (germline): Uncertain significance (1 of 4 stars; one submission).

Conditions:
Hereditary cancer-predisposing syndrome. Also called: Tumor predisposition; Neoplastic Syndromes, Hereditary; Hereditary Cancer Syndrome; Hereditary neoplastic syndrome. Identifiers: Orphanet 140162, MedGen C0027672, MeSH D009386, MONDO:0015356.

gnomAD v4.1: 2 of 1,614,028 alleles (0.00012%); highest among the groups gnomAD compares: Non-Finnish European, 0.00017%; no homozygotes.

Submission:

Ambry Genetics
Classification: Uncertain significance for Hereditary cancer-predisposing syndrome. Last evaluated: 2025-11-25. Review status: criteria provided, single submitter. Criteria: Ambry Variant Classification Scheme 2023. Collection method: clinical testing. Allele origin: germline.
Comment: The c.207G>A variant (also known as p.K69K), located in coding exon 2 of the NF2 gene, results from a G to A substitution at nucleotide position 207. This nucleotide substitution does not change the amino acid at codon 69. This nucleotide position is well conserved in available vertebrate species. In silico splice site analysis for this alteration is inconclusive; however, direct evidence is insufficient at this time (Ambry internal data). Based on the available evidence, the clinical significance of this variant remains unclear. Based on the available evidence, the clinical significance of this variant remains unclear.

NM_000268.4(NF2):c.207G>A (p.Lys69=)

Gene: NF2 (NF2, moesin-ezrin-radixin like (MERLIN) tumor suppressor; plus strand). Cytogenetic location: 22q12.2.
Variant type: single nucleotide variant.
Coding change: c.207G>A on transcript NM_000268.4 (MANE Select); coding-DNA position 207, G replaced by A.
Protein change: p.Lys69=; no amino-acid change (lysine 69 retained).
Molecular consequence: synonymous variant. On other transcripts: 5 prime UTR variant (2), intron variant (6).
Genome position (GRCh38, 1-based): chr22:29,636,843, G>A. VCF-style: chr22-29636843-G-A. GRCh37 (hg19) VCF-style: chr22-30032832-G-A.
Other names: c.93G>A, p.Lys31= (NM_001407053.1, NM_001407056.1); c.207G>A, p.Lys69= (NM_001407054.1, NM_001407057.1, NM_001407058.1 and 9 more transcripts); c.-434G>A (NM_001407065.1); c.-50G>A (NM_001407067.1); c.115-2247G>A (NM_181828.3, NM_001407055.1); c.115-5359G>A (NM_001407063.1, NM_181830.3, NM_001407064.1 and 1 more transcripts).
Identifiers: ClinVar variation 3879176 (VCV003879176.2).